The following is an entry in ClinVar:

ClinVar aggregate classification (germline): Uncertain significance. Review status: criteria provided, multiple submitters, no conflicts (2 of 4 stars). 2 submissions from 2 submitters: Uncertain significance (2). Last evaluated 2024-02-17.

Conditions:
Hereditary pancreatitis (PCTT). Also called: PRSS1-Related Hereditary Pancreatitis; Hereditary chronic pancreatitis. Identifiers: Orphanet 676, MedGen C0238339, MONDO:0008185, OMIM 167800.

Submissions (2):

Labcorp Genetics (formerly Invitae), Labcorp
Classification: Uncertain significance for Hereditary pancreatitis. Last evaluated: 2024-02-17. Review status: criteria provided, single submitter. Criteria: Invitae Variant Classification Sherloc (09022015). Collection method: clinical testing. Allele origin: germline.
Comment: This sequence change replaces valine, which is neutral and non-polar, with glutamic acid, which is acidic and polar, at codon 201 of the CTRC protein (p.Val201Glu). This variant is not present in population databases (gnomAD no frequency). This variant has not been reported in the literature in individuals affected with CTRC-related conditions. ClinVar contains an entry for this variant (Variation ID: 2626251). Advanced modeling of protein sequence and biophysical properties (such as structural, functional, and spatial information, amino acid conservation, physicochemical variation, residue mobility, and thermodynamic stability) performed at Invitae indicates that this missense variant is expected to disrupt CTRC protein function with a positive predictive value of 80%. In summary, the available evidence is currently insufficient to determine the role of this variant in disease. Therefore, it has been classified as a Variant of Uncertain Significance.

Ambry Genetics
Classification: Uncertain significance for Hereditary pancreatitis. Last evaluated: 2023-06-17. Review status: criteria provided, single submitter. Criteria: Ambry Variant Classification Scheme 2023. Collection method: clinical testing. Allele origin: germline.
Comment: The p.V201E variant (also known as c.602T>A), located in coding exon 6 of the CTRC gene, results from a T to A substitution at nucleotide position 602. The valine at codon 201 is replaced by glutamic acid, an amino acid with dissimilar properties. This amino acid position is conserved. In addition, this alteration is predicted to be deleterious by in silico analysis. Since supporting evidence is limited at this time, the clinical significance of this alteration remains unclear.

NM_007272.3(CTRC):c.602T>A (p.Val201Glu)

Gene: CTRC (chymotrypsin C; plus strand). Cytogenetic location: 1p36.21.
Variant type: single nucleotide variant.
Coding change: c.602T>A on transcript NM_007272.3 (MANE Select); coding-DNA position 602, T replaced by A.
Protein change: p.Val201Glu; replaces valine 201 with glutamic acid.
Molecular consequence: missense variant.
Genome position (GRCh38, 1-based): chr1:15,444,714, T>A. VCF-style: chr1-15444714-T-A. GRCh37 (hg19) VCF-style: chr1-15771209-T-A.
Other names: short protein forms V201E.
Identifiers: ClinVar variation 2626251 (VCV002626251.4), dbSNP rs1229058534, ClinGen allele CA338567395.
Genomic context (GRCh38, chr1:15,444,714, plus strand): 5'-TGGATCACGCCACGTGCTCCAGGATTGACTGGTGGGGCTTCAGGGTGAAGAAAACCATGG[T>A]GTGCGCTGGGGGCGATGGCGTCATCTCAGCCTGCAATGTGAGTGGCTAGGTTCTGCACCT-3'
Protein context (NP_009203.2, residues 191-211): WWGFRVKKTM[Val201Glu]CAGGDGVISA